The following is an entry in ClinVar:

ClinVar aggregate classification (germline): Uncertain significance. Review status: criteria provided, multiple submitters, no conflicts (2 of 4 stars). 2 submissions from 2 submitters: Uncertain significance (2). Last evaluated 2025-07-30.

Conditions:
MC4R-related disorder. Also called: MC4R-related condition.

Allele frequency attached by ClinVar (database versions not stated): gnomAD 0.00001; TOPMed 0.00002.

Submissions (2):

PreventionGenetics, part of Exact Sciences
Classification: Uncertain significance for MC4R-related condition. Last evaluated: 2025-07-30. Review status: criteria provided, single submitter. Criteria: ACMG Guidelines, 2015. Collection method: clinical testing. Allele origin: germline.
Comment: The MC4R c.631C>G variant is predicted to result in the amino acid substitution p.Leu211Val. To our knowledge, this variant has not been reported in the literature. This variant is reported in 0.023% of alleles in individuals of African descent in gnomAD. An alternate missense change at the same amino acid position has been reported in association with obesity, and functional studies supported its pathogenicity (p.Leu211Pro; Lubrano-Berthelier et al. 2003. PubMed ID: 12851297; Lotta et al. 2019. PubMed ID: 31002796). At this time, the clinical significance of this variant is uncertain due to the absence of conclusive functional and genetic evidence.

Labcorp Genetics (formerly Invitae), Labcorp
Classification: Uncertain significance. Last evaluated: 2022-02-10. Review status: criteria provided, single submitter. Criteria: Invitae Variant Classification Sherloc (09022015). Collection method: clinical testing. Allele origin: germline.
Comment: In summary, the available evidence is currently insufficient to determine the role of this variant in disease. Therefore, it has been classified as a Variant of Uncertain Significance. Advanced modeling of protein sequence and biophysical properties (such as structural, functional, and spatial information, amino acid conservation, physicochemical variation, residue mobility, and thermodynamic stability) performed at Invitae indicates that this missense variant is expected to disrupt MC4R protein function. This variant has not been reported in the literature in individuals affected with MC4R-related conditions. This variant is present in population databases (no rsID available, gnomAD 0.02%). This sequence change replaces leucine, which is neutral and non-polar, with valine, which is neutral and non-polar, at codon 211 of the MC4R protein (p.Leu211Val).

NM_005912.3(MC4R):c.631C>G (p.Leu211Val)

Gene: MC4R (melanocortin 4 receptor; minus strand). Cytogenetic location: 18q21.32.
Variant type: single nucleotide variant.
Coding change: c.631C>G on transcript NM_005912.3 (MANE Select); coding-DNA position 631, C replaced by G.
Protein change: p.Leu211Val; replaces leucine 211 with valine.
Molecular consequence: missense variant.
Genome position (GRCh38, 1-based): chr18:60,371,719, G>C on the plus strand (C>G on the coding strand, the complement: MC4R is on the minus strand). VCF-style: chr18-60371719-G-C. GRCh37 (hg19) VCF-style: chr18-58038952-G-C.
Other names: c.631C>G (NM_005912.2); short protein forms L211V.
Identifiers: ClinVar variation 2096100 (VCV002096100.5), dbSNP rs1213053983, ClinGen allele CA402719401.